The following is an entry in ClinVar:

ClinVar aggregate classification (germline): Uncertain significance (1 of 4 stars; one submission).

Submission:

GeneDx
Classification: Uncertain significance. Last evaluated: 2026-03-16. Review status: criteria provided, single submitter. Criteria: GeneDx Variant Classification Process June 2021. Collection method: clinical testing. Allele origin: germline.
Comment: Not observed at significant frequency in large population cohorts (gnomAD); In silico analysis suggests that this missense variant does not alter protein structure/function; Has not been previously published as pathogenic or benign to our knowledge.

NM_001256071.3(RNF213):c.14416T>C (p.Tyr4806His)

Genes: RNF213 (ring finger protein 213; plus strand), RNF213-AS1 (RNF213 antisense RNA 1; minus strand). Cytogenetic location: 17q25.3.
Variant type: single nucleotide variant.
Coding change: c.14416T>C on transcript NM_001256071.3 (MANE Select); coding-DNA position 14416, T replaced by C.
Protein change: p.Tyr4806His; replaces tyrosine 4806 with histidine.
Molecular consequence: missense variant.
Genome position (GRCh38, 1-based): chr17:80,385,132, T>C. VCF-style: chr17-80385132-T-C. GRCh37 (hg19) VCF-style: chr17-78358932-T-C.
Other names: c.14563T>C, p.Tyr4855His (NM_001410195.1, NM_020914.5); short protein forms Y4855H, Y4806H.
Identifiers: ClinVar variation 5009306 (VCV005009306.1).